The following is an entry in ClinVar:

ClinVar aggregate classification (germline): Uncertain significance (1 of 4 stars; one submission).

Conditions:
PIEZO1-related disorder. Also called: PIEZO1-related condition; PIEZO1-Related Disorders.

Submission:

PreventionGenetics, part of Exact Sciences
Classification: Uncertain significance for PIEZO1-related condition. Last evaluated: 2025-11-04. Review status: criteria provided, single submitter. Criteria: ACMG Guidelines, 2015. Collection method: clinical testing. Allele origin: germline.
Comment: The PIEZO1 c.4495G>C variant is predicted to result in the amino acid substitution p.Gly1499Arg. To our knowledge, this variant has not been reported in the literature or in a large population database (gnomAD), indicating this variant is rare. At this time, the clinical significance of this variant is uncertain due to the absence of conclusive functional and genetic evidence.

NM_001142864.4(PIEZO1):c.4495G>C (p.Gly1499Arg)

Gene: PIEZO1 (piezo type mechanosensitive ion channel component 1 (Er blood group); minus strand). Cytogenetic location: 16q24.3.
Variant type: single nucleotide variant.
Coding change: c.4495G>C on transcript NM_001142864.4 (MANE Select); coding-DNA position 4495, G replaced by C.
Protein change: p.Gly1499Arg; replaces glycine 1499 with arginine.
Molecular consequence: missense variant.
Genome position (GRCh38, 1-based): chr16:88,723,095, C>G on the plus strand (G>C on the coding strand, the complement: PIEZO1 is on the minus strand). VCF-style: chr16-88723095-C-G. GRCh37 (hg19) VCF-style: chr16-88789503-C-G.
Other names: short protein forms G1499R.
Identifiers: ClinVar variation 4993465 (VCV004993465.1).